The following is an entry in ClinVar:

NM_001034853.2(RPGR):c.29-2A>G

Gene: RPGR (retinitis pigmentosa GTPase regulator; minus strand). Cytogenetic location: Xp11.4.
Variant type: single nucleotide variant.
Coding change: c.29-2A>G on transcript NM_001034853.2 (MANE Select); the canonical splice acceptor site of the intron before coding-DNA position 29, A replaced by G.
Molecular consequence: splice acceptor variant.
Genome position (GRCh38, 1-based): chrX:38,323,526, T>C on the plus strand (A>G on the coding strand, the complement: RPGR is on the minus strand). VCF-style: chrX-38323526-T-C. GRCh37 (hg19) VCF-style: chrX-38182779-T-C.
Other names: NC_000023.10:g.38182779T>C; c.29-2A>G (NM_001367249.1, NM_001367250.1, NM_001367245.1 and 4 more transcripts); c.59-2A>G (NM_001367248.1).
Identifiers: ClinVar variation 1685428 (VCV001685428.5), dbSNP rs2147291936, ClinGen allele CA412746218.

ClinVar aggregate classification (germline): Pathogenic. Review status: reviewed by expert panel (3 of 4 stars). 4 submissions from 4 submitters: Pathogenic (1). 3 of the submissions do not count toward it. Last evaluated 2026-09-26.

Conditions:
Retinal dystrophy. Also called: Inherited retinal dystrophy. Identifiers: Orphanet 71862, MedGen C0854723, MeSH D058499, MONDO:0019118, HP:0000556.
Primary ciliary dyskinesia. Also called: Ciliary dyskinesia. Identifiers: Orphanet 244, MedGen C0008780, MONDO:0016575, HP:0012265.
RPGR-related retinopathy. Also called: RPGR retinopathy. Identifiers: MedGen CN305589, MONDO:0100437.
Retinitis pigmentosa 3. Also called: CHOROIDORETINAL DEGENERATION WITH RETINAL REFLEX IN HETEROZYGOUS WOMEN. Identifiers: Orphanet 791, MedGen C1845667, MONDO:0010227, OMIM 300029.

Submissions (5):

ClinGen X-linked Inherited Retinal Disease Variant Curation Expert Panel, ClinGen
Classification: Pathogenic for RPGR-related retinopathy. Last evaluated: 2026-09-26. Review status: reviewed by expert panel. Criteria: ClinGen X LinkedIRD ACMG Specifications RPGR V1.0.0. Collection method: curation. Allele origin: germline. Inheritance: X-linked inheritance.
Comment: NM_001034853.2(RPGR):c.29-2A>G occurs at a canonical splice site in intron 1 and is predicted to disrupt splicing and induce skipping of exon 2 of RPGR, which was reviewed by the X-linked IRD VCEP and found to be deleterious (PVS1). This variant is absent from gnomAD v4.1.0 (PM2_Supporting). At least one proband harboring this variant exhibits a phenotype including childhood-onset (1 pt), reduced visual acuity (0.5 pts), mild myopia (0.5 pts), non-recordable electroretinogram responses (required), and genotyping by next-generation sequencing that did not identify an alternative basis for inherited retinal disease (2 pts), which together are specific for RPGR-related retinopathy (4 points, PMID: 32702353, PP4). This variant has been reported in at least 2 apparently unrelated probands meeting one of the PS4 requirements of a male with some functional vision impairment by age 30 and/or decreased or absent electroretinogram responses (PMID: 32702353). However, PS4_Supporting was not met since the paper identified the 2 probands from the same demographic location, and the pedigrees were not available to assess the potential relation between the two families. In summary, this variant is classified as pathogenic for RPGR-related retinopathy based on the ClinGen X-linked Inherited Retinal Disease Expert Panel Specifications to the ACMG/AMP Variant Interpretation Guidelines for RPGR Version 1.0.0: PVS1, PM2_supporting, and PP4.

Labcorp Genetics (formerly Invitae), Labcorp
Classification: Pathogenic for Primary ciliary dyskinesia. Last evaluated: 2025-11-18. Review status: criteria provided, single submitter. Criteria: Invitae Variant Classification Sherloc (09022015). Collection method: clinical testing. Allele origin: germline. Not counted in ClinVar's aggregate classification.
Comment: This sequence change affects an acceptor splice site in intron 1 of the RPGR gene. It is expected to disrupt RNA splicing. Variants that disrupt the donor or acceptor splice site typically lead to a loss of protein function (PMID: 16199547), and loss-of-function variants in RPGR are known to be pathogenic (PMID: 16055928, 16969763). This variant is not present in population databases (gnomAD no frequency). Disruption of this splice site has been observed in individuals with retinitis pigmentosa (PMID: 32702353, 38576124). ClinVar contains an entry for this variant (Variation ID: 1685428). Algorithms developed to predict the effect of sequence changes on RNA splicing suggest that this variant may disrupt the consensus splice site. For these reasons, this variant has been classified as Pathogenic.

Mendelics
Classification: Likely pathogenic for Retinitis pigmentosa 3. Last evaluated: 2022-05-04. Review status: criteria provided, single submitter. Criteria: Mendelics Assertion Criteria 2019. Collection method: clinical testing. Allele origin: germline. Not counted in ClinVar's aggregate classification.

Institute of Human Genetics, Univ. Regensburg, Univ. Regensburg
Classification: Pathogenic for Retinal dystrophy. Last evaluated: 2011-01-01. Review status: no assertion criteria provided. Criteria: ACMG Guidelines, 2015. Collection method: clinical testing. Allele origin: germline. Affected: yes. Not counted in ClinVar's aggregate classification.

Dr. Peter K. Rogan Lab, Western University
No classification provided (evidence only). Condition: Nonpapillary renal cell carcinoma. Review status: no classification provided. Collection method: in vitro. Allele origin: not applicable. Functional consequence: retained intron. Not counted in ClinVar's aggregate classification.

Literature cited by the submitters: PubMed 16199547 (cited by Labcorp Genetics (formerly Invitae), Labcorp); PubMed 16055928 (cited by Labcorp Genetics (formerly Invitae), Labcorp); PubMed 16969763 (cited by Labcorp Genetics (formerly Invitae), Labcorp); PubMed 32702353 (cited by Labcorp Genetics (formerly Invitae), Labcorp); PubMed 38576124 (cited by Labcorp Genetics (formerly Invitae), Labcorp).